The following is an entry in ClinVar:

ClinVar aggregate classification (germline): Pathogenic. Review status: criteria provided, multiple submitters, no conflicts (2 of 4 stars). 10 submissions from 10 submitters: Pathogenic (9). 1 of the submissions does not count toward it. Last evaluated 2022-06-01.

Conditions:
Sotos syndrome (SOTOS). Also called: Distinctive facial appearance, overgrowth in childhood, and learning disabilities or delayed development; CEREBRAL GIGANTISM; Sotos' syndrome; CHROMOSOME 5q35 DELETION SYNDROME; SOTOS SYNDROME 1. Identifiers: Orphanet 821, MedGen C0175695, MONDO:0019349, OMIM 117550.
NSD1-related disorder. Also called: NSD1-related condition.

Submissions (10):

GeneDx
Classification: Pathogenic. Last evaluated: 2022-06-01. Review status: criteria provided, single submitter. Criteria: GeneDx Variant Classification Process June 2021. Collection method: clinical testing. Allele origin: germline. Affected: yes.
Comment: Nonsense variant predicted to result in protein truncation or nonsense mediated decay in a gene for which loss-of-function is a known mechanism of disease; Not observed in large population cohorts (gnomAD); This variant is associated with the following publications: (PMID: 25525159, 15942875, 28475857, 33084842, 14571271, 34008892)

MGZ Medical Genetics Center
Classification: Pathogenic for Sotos syndrome. Last evaluated: 2022-05-06. Review status: criteria provided, single submitter. Criteria: ACMG Guidelines, 2015. Collection method: clinical testing. Allele origin: germline. Affected: yes. Observed: 1 variant allele.
Comment: ACMG criteria applied: PVS1, PS4_MOD, PM6, PM2_SUP

Genome-Nilou Lab
Classification: Pathogenic for Sotos syndrome. Last evaluated: 2021-07-15. Review status: criteria provided, single submitter. Criteria: ACMG Guidelines, 2015. Collection method: clinical testing. Allele origin: germline. Affected: no.

Revvity Omics, Revvity
Classification: Pathogenic for Sotos syndrome. Last evaluated: 2020-11-20. Review status: criteria provided, single submitter. Criteria: ACMG Guidelines, 2015. Collection method: clinical testing. Allele origin: germline.

Labcorp Genetics (formerly Invitae), Labcorp
Classification: Pathogenic. Last evaluated: 2019-10-28. Review status: criteria provided, single submitter. Criteria: Invitae Variant Classification Sherloc (09022015). Collection method: clinical testing. Allele origin: germline.
Comment: Loss-of-function variants in NSD1 are known to be pathogenic (PMID: 12464997, 14571271, 15942875, 16247291). This variant has been reported to be de novo in an individual affected with Sotos syndrome (PMID: 14571271). This variant has been observed in individuals affected with learning disability, overgrowth, and/or sacrococcygeal teratoma (PMID: 15942875, 28475857). ClinVar contains an entry for this variant (Variation ID: 159394). This variant is not present in population databases (ExAC no frequency). This sequence change creates a premature translational stop signal (p.Arg2005*) in the NSD1 gene. It is expected to result in an absent or disrupted protein product. For these reasons, this variant has been classified as Pathogenic.

Blueprint Genetics
Classification: Pathogenic for NSD1-related disorders. Last evaluated: 2019-05-17. Review status: criteria provided, single submitter. Criteria: ACMG Guidelines, 2015. Collection method: clinical testing. Allele origin: germline. Affected: yes. Observed: 2 variant alleles.

Laboratory of Medical Genetics, National & Kapodistrian University of Athens
Classification: Pathogenic for Sotos syndrome. Last evaluated: 2018-02-15. Review status: criteria provided, single submitter. Criteria: ACMG Guidelines, 2015. Collection method: clinical testing. Allele origin: de novo. Affected: yes.
Comment: PVS1, PM1, PM2, PP3, PP5

Genetic Services Laboratory, University of Chicago
Classification: Pathogenic for Sotos syndrome 1. Last evaluated: 2013-02-08. Review status: criteria provided, single submitter. Criteria: ACMG Guidelines, 2007. Collection method: clinical testing. Allele origin: germline. Inheritance: Autosomal dominant inheritance. Affected: yes.

Neuberg Centre For Genomic Medicine, NCGM
Classification: Pathogenic for Sotos syndrome. Review status: criteria provided, single submitter. Criteria: ACMG Guidelines, 2015. Collection method: clinical testing. Allele origin: germline. Inheritance: Autosomal dominant inheritance. Affected: yes.
Comment: The observed stop gained variant c.6013C>T(p.Arg2005Ter) in NSD1 gene has been reported previously in heterozygous state in multiple individuals with Sotos syndorme (Tatton-Brown K, et al., 2017; 2005, Türkmen S, et al., 2003). The variant c.6013C>T is absent in gnomAD Exomes. This variant has been reported to the ClinVar database as Likely Pathogenic/Pathogenic (multiple submissions). This variant is predicted to cause loss of normal protein function through protein truncation. Loss of function variants have been previously reported to be disease causing. For these reasons, this variant has been classified as Pathogenic.

Genomics England Pilot Project, Genomics England
Classification: Likely pathogenic for Sotos syndrome. Review status: no assertion criteria provided. Criteria: ACGS Guidelines, 2016. Collection method: clinical testing. Allele origin: germline. Affected: yes. Not counted in ClinVar's aggregate classification.

Literature cited by the submitters: PubMed 12464997 (cited by Labcorp Genetics (formerly Invitae), Labcorp); PubMed 14571271 (cited by Labcorp Genetics (formerly Invitae), Labcorp); PubMed 15942875 (cited by Labcorp Genetics (formerly Invitae), Labcorp); PubMed 16247291 (cited by Labcorp Genetics (formerly Invitae), Labcorp); PubMed 28475857 (cited by Labcorp Genetics (formerly Invitae), Labcorp).

NM_022455.5(NSD1):c.6013C>T (p.Arg2005Ter)

Gene: NSD1 (nuclear receptor binding SET domain protein 1; plus strand). Cytogenetic location: 5q35.3.
Variant type: single nucleotide variant.
Coding change: c.6013C>T on transcript NM_022455.5 (MANE Select); coding-DNA position 6013, C replaced by T.
Protein change: p.Arg2005Ter; replaces arginine 2005 with a stop codon.
Molecular consequence: nonsense.
Genome position (GRCh38, 1-based): chr5:177,283,790, C>T. VCF-style: chr5-177283790-C-T. GRCh37 (hg19) VCF-style: chr5-176710791-C-T.
Other names: c.5140C>T, p.Arg1714Ter (NM_172349.5, NM_001365684.2, NM_001409308.1); c.6013C>T, p.Arg2005Ter (NM_001409301.1, NM_001409302.1, NM_001409303.1); c.5593C>T, p.Arg1865Ter (NM_001409304.1); c.5260C>T, p.Arg1754Ter (NM_001409305.1); c.5251C>T, p.Arg1751Ter (NM_001409306.1, NM_001409307.1); short protein forms R2005*, R1736*, R1714*, R1865*, R1754*, R1751*.
Identifiers: ClinVar variation 159394 (VCV000159394.31), dbSNP rs587784173, ClinGen allele CA295021.